The following is an entry in ClinVar:

NM_000321.3(RB1):c.381T>C (p.Ser127=)

Gene: RB1 (RB transcriptional corepressor 1; plus strand). Cytogenetic location: 13q14.2.
Variant type: single nucleotide variant.
Coding change: c.381T>C on transcript NM_000321.3 (MANE Select); coding-DNA position 381, T replaced by C.
Protein change: p.Ser127=; no amino-acid change (serine 127 retained).
Molecular consequence: synonymous variant.
Genome position (GRCh38, 1-based): chr13:48,345,080, T>C. VCF-style: chr13-48345080-T-C. GRCh37 (hg19) VCF-style: chr13-48919216-T-C.
Other names: c.381T>C (NM_000321.2).
Identifiers: ClinVar variation 1512892 (VCV001512892.10), dbSNP rs780321508, ClinGen allele CA038058.

ClinVar aggregate classification (germline): Conflicting classifications of pathogenicity. Review status: criteria provided, conflicting classifications (1 of 4 stars). 3 submissions from 3 submitters: Uncertain significance (2); Likely benign (1). Last evaluated 2024-10-20.

Conditions:
Hereditary cancer-predisposing syndrome. Also called: Tumor predisposition; Neoplastic Syndromes, Hereditary; Hereditary neoplastic syndrome; Hereditary Cancer Syndrome. Identifiers: Orphanet 140162, MedGen C0027672, MeSH D009386, MONDO:0015356.
Retinoblastoma (RB1). Also called: RETINOBLASTOMA, SOMATIC. Identifiers: Orphanet 790, MedGen C0035335, MeSH D012175, MONDO:0008380, OMIM 180200, HP:0009919. Disease mechanism: loss of function. Inheritance: Both sporadic and heritable forms are tested..

Allele frequency attached by ClinVar (database versions not stated): gnomAD exomes below 0.00001; ExAC 0.00001.
gnomAD v4.1: 3 of 1,610,596 alleles (0.00019%); highest among the groups gnomAD compares: Non-Finnish European, 0.00025%; no homozygotes.

Submissions (3):

Ambry Genetics
Classification: Likely benign for Hereditary cancer-predisposing syndrome. Last evaluated: 2024-10-20. Review status: criteria provided, single submitter. Criteria: Ambry Variant Classification Scheme 2023. Collection method: clinical testing. Allele origin: germline.

Labcorp Genetics (formerly Invitae), Labcorp
Classification: Uncertain significance for Retinoblastoma. Last evaluated: 2021-03-12. Review status: criteria provided, single submitter. Criteria: Invitae Variant Classification Sherloc (09022015). Collection method: clinical testing. Allele origin: germline.
Comment: This sequence change affects codon 127 of the RB1 mRNA. It is a 'silent' change, meaning that it does not change the encoded amino acid sequence of the RB1 protein. This variant is present in population databases (rs780321508, ExAC 0.002%). This variant has not been reported in the literature in individuals with RB1-related conditions. Algorithms developed to predict the effect of sequence changes on RNA splicing suggest that this variant is not likely to affect RNA splicing, but this prediction has not been confirmed by published transcriptional studies. In summary, the available evidence is currently insufficient to determine the role of this variant in disease. Therefore, it has been classified as a Variant of Uncertain Significance.

Breakthrough Genomics
Classification: Uncertain significance. Review status: criteria provided, single submitter. Criteria: ACMG Guidelines, 2015. Collection method: not provided. Allele origin: germline. Inheritance: Autosomal recessive inheritance. Affected: yes.